The following is an entry in ClinVar:

NM_006739.4(MCM5):c.2079C>T (p.Ser693=)

Gene: MCM5 (minichromosome maintenance complex component 5; plus strand). Cytogenetic location: 22q12.3.
Variant type: single nucleotide variant.
Coding change: c.2079C>T on transcript NM_006739.4 (MANE Select); coding-DNA position 2079, C replaced by T.
Protein change: p.Ser693=; no amino-acid change (serine 693 retained).
Molecular consequence: synonymous variant.
Genome position (GRCh38, 1-based): chr22:35,423,317, C>T. VCF-style: chr22-35423317-C-T. GRCh37 (hg19) VCF-style: chr22-35819310-C-T.
Identifiers: ClinVar variation 712288 (VCV000712288.14), dbSNP rs143534227, ClinGen allele CA10205647.

ClinVar aggregate classification (germline): Benign. Review status: criteria provided, multiple submitters, no conflicts (2 of 4 stars). 3 submissions from 3 submitters: Benign (3). Last evaluated 2026-03-01.

Allele frequency attached by ClinVar (database versions not stated): gnomAD exomes 0.00050 and 0.00132; ExAC 0.00172; gnomAD 0.00396 and 0.00416; TOPMed 0.00425; 1000 Genomes Project 30x 0.00437; ESP Exome Variant Server 0.00438; 1000 Genomes Project 0.00479.
gnomAD v4.1: 1,384 of 1,606,854 alleles (0.086%); highest among the groups gnomAD compares: African/African-American, 1.3%; 18 homozygotes.

Submissions (3):

CeGaT Center for Human Genetics Tuebingen
Classification: Benign. Last evaluated: 2026-03-01. Review status: criteria provided, single submitter. Criteria: CeGaT Center For Human Genetics Tuebingen Variant Classification Criteria Version 2. Collection method: clinical testing. Allele origin: germline. Affected: yes. Observed: 1 variant allele.
Comment: MCM5: BP4, BS1, BS2

Labcorp Genetics (formerly Invitae), Labcorp
Classification: Benign. Last evaluated: 2026-01-17. Review status: criteria provided, single submitter. Criteria: Invitae Variant Classification Sherloc (09022015). Collection method: clinical testing. Allele origin: germline.

Breakthrough Genomics
Classification: Benign. Review status: criteria provided, single submitter. Criteria: ACMG Guidelines, 2015. Collection method: not provided. Allele origin: germline. Inheritance: Autosomal recessive inheritance. Affected: yes.